The following is an entry in ClinVar:

ClinVar aggregate classification (germline): Uncertain significance (1 of 4 stars; one submission).

Conditions:
Cryopyrin associated periodic syndrome (CAPS). Identifiers: Orphanet 208650, MedGen C2316212, MONDO:0016168.

gnomAD v4.1: 3 of 1,614,162 alleles (0.00019%); highest among the groups gnomAD compares: Non-Finnish European, 0.00017%; no homozygotes.

Submission:

Labcorp Genetics (formerly Invitae), Labcorp
Classification: Uncertain significance for Cryopyrin associated periodic syndrome. Last evaluated: 2025-02-03. Review status: criteria provided, single submitter. Criteria: Invitae Variant Classification Sherloc (09022015). Collection method: clinical testing. Allele origin: germline.
Comment: This sequence change replaces aspartic acid, which is acidic and polar, with asparagine, which is neutral and polar, at codon 980 of the NLRP3 protein (p.Asp980Asn). This variant is not present in population databases (gnomAD no frequency). This variant has not been reported in the literature in individuals affected with NLRP3-related conditions. Invitae Evidence Modeling of protein sequence and biophysical properties (such as structural, functional, and spatial information, amino acid conservation, physicochemical variation, residue mobility, and thermodynamic stability) has been performed for this missense variant. However, the output from this modeling did not meet the statistical confidence thresholds required to predict the impact of this variant on NLRP3 protein function. In summary, the available evidence is currently insufficient to determine the role of this variant in disease. Therefore, it has been classified as a Variant of Uncertain Significance.

NM_001243133.2(NLRP3):c.2932G>A (p.Asp978Asn)

Gene: NLRP3 (NLR family pyrin domain containing 3; plus strand). Cytogenetic location: 1q44.
Variant type: single nucleotide variant.
Coding change: c.2932G>A on transcript NM_001243133.2 (MANE Select); coding-DNA position 2932, G replaced by A.
Protein change: p.Asp978Asn; replaces aspartic acid 978 with asparagine.
Molecular consequence: missense variant.
Genome position (GRCh38, 1-based): chr1:247,444,748, G>A. VCF-style: chr1-247444748-G-A. GRCh37 (hg19) VCF-style: chr1-247608050-G-A.
Other names: c.2932G>A, p.Asp978Asn (NM_001079821.3); c.2761G>A, p.Asp921Asn (NM_001127461.3, NM_001127462.3); c.2938G>A, p.Asp980Asn (NM_004895.5); c.2590G>A, p.Asp864Asn (NM_183395.3); short protein forms D921N, D864N, D980N, D978N.
Identifiers: ClinVar variation 3633882 (VCV003633882.2).
Genomic context (GRCh38, chr1:247,444,748, plus strand): 5'-GATCTTTCCACACTTCTGACCTCCAGCCAGAGCCTGCGAAAGCTGAGCCTGGGCAACAAT[G>A]ACCTGGGCGACCTGGGGGTCATGATGTTCTGTGAAGTGCTGAAACAGCAGAGCTGCCTCC-3'
Protein context (NP_001230062.1, residues 968-988): SLRKLSLGNN[Asp978Asn]LGDLGVMMFC